The following is an entry in ClinVar:

ClinVar aggregate classification (germline): Uncertain significance (1 of 4 stars; one submission).

Conditions:
Focal segmental glomerulosclerosis 6 (FSGS6). Identifiers: Orphanet 656, MedGen C3279905, MONDO:0013589, OMIM 614131.

Submission:

Laboratorio de Genetica e Diagnostico Molecular, Hospital Israelita Albert Einstein
Classification: Uncertain significance for Focal segmental glomerulosclerosis 6. Last evaluated: 2022-07-15. Review status: criteria provided, single submitter. Criteria: ACMG Guidelines, 2015. Collection method: clinical testing. Allele origin: germline. Affected: yes. Observed: 1 variant allele.
Comment: ACMG classification criteria: PM2 moderated

NM_004998.4(MYO1E):c.2050-400G>C

Gene: MYO1E (myosin IE; minus strand). Cytogenetic location: 15q22.2.
Variant type: single nucleotide variant.
Coding change: c.2050-400G>C on transcript NM_004998.4 (MANE Select); 400 bases into the intron before coding-DNA position 2050, G replaced by C.
Molecular consequence: intron variant.
Genome position (GRCh38, 1-based): chr15:59,174,640, C>G on the plus strand (G>C on the coding strand, the complement: MYO1E is on the minus strand). VCF-style: chr15-59174640-C-G. GRCh37 (hg19) VCF-style: chr15-59466839-C-G.
Identifiers: ClinVar variation 2431899 (VCV002431899.1), dbSNP rs2542027997, ClinGen allele CA2580089821.